The following is an entry in ClinVar:

ClinVar aggregate classification (germline): Likely pathogenic (1 of 4 stars; one submission).

Conditions:
Hereditary cancer-predisposing syndrome. Also called: Hereditary Cancer Syndrome; Hereditary neoplastic syndrome; Neoplastic Syndromes, Hereditary; Tumor predisposition. Identifiers: Orphanet 140162, MedGen C0027672, MeSH D009386, MONDO:0015356.

Submission:

Ambry Genetics
Classification: Likely pathogenic for Hereditary cancer-predisposing syndrome. Last evaluated: 2019-09-12. Review status: criteria provided, single submitter. Criteria: Ambry Variant Classification Scheme 2023. Collection method: clinical testing. Allele origin: germline.
Comment: The c.1473+1G>T intronic variant results from a G to T substitution one nucleotide after coding exon 10 of the BMPR1A gene. This nucleotide position is highly conserved in available vertebrate species. This variant was not reported in population-based cohorts in the Genome Aggregation Database (gnomAD). Using the BDGP and ESEfinder splice site prediction tools, this alteration is predicted to abolish the native splice donor site; however, direct evidence is unavailable. Alterations that disrupt the canonical splice site are expected to cause aberrant splicing, resulting in an abnormal protein or transcript. As such, this alteration is classified as likely pathogenic.

NM_004329.3(BMPR1A):c.1473+1G>T

Gene: BMPR1A (bone morphogenetic protein receptor type 1A; plus strand). Cytogenetic location: 10q23.2.
Variant type: single nucleotide variant.
Coding change: c.1473+1G>T on transcript NM_004329.3 (MANE Select); the canonical splice donor site of the intron after coding-DNA position 1473, G replaced by T.
Molecular consequence: splice donor variant.
Genome position (GRCh38, 1-based): chr10:86,923,507, G>T. VCF-style: chr10-86923507-G-T. GRCh37 (hg19) VCF-style: chr10-88683264-G-T.
Other names: c.1473+1G>T (NM_001406562.1, NM_001406568.1, NM_001406567.1 and 19 more transcripts); c.1389+1G>T (NM_001406584.1, NM_001406588.1, NM_001406587.1 and 2 more transcripts); c.1521+1G>T (NM_001406560.1); c.1548+1G>T (NM_001406559.1); c.1467+1G>T (NM_001406583.1); c.1131+1G>T (NM_001406589.1).
Identifiers: ClinVar variation 1773388 (VCV001773388.2), dbSNP rs1589293533, ClinGen allele CA377463282.
Genomic context (GRCh38, chr10:86,923,507, plus strand): 5'-GAGGTTGTGTGTGTCAAACGTTTGCGGCCAATTGTGTCTAATCGGTGGAACAGTGATGAA[G>T]TGAGTGGAACTCAGTCCCCTGAAGAAGTGATTCGTAAATGCCACCAAATATATTCTCTGC-3'